The following is an entry in ClinVar:

ClinVar aggregate classification (germline): Uncertain significance (1 of 4 stars; one submission).

Conditions:
Mitochondrial trifunctional protein deficiency. Identifiers: Orphanet 746, MedGen C1969443, MONDO:0012172.

Allele frequency attached by ClinVar (database versions not stated): gnomAD exomes below 0.00001 and 0.00001; TOPMed 0.00001; ExAC 0.00002.

Submission:

Labcorp Genetics (formerly Invitae), Labcorp
Classification: Uncertain significance for Mitochondrial trifunctional protein deficiency. Last evaluated: 2022-06-13. Review status: criteria provided, single submitter. Criteria: Invitae Variant Classification Sherloc (09022015). Collection method: clinical testing. Allele origin: germline.
Comment: This sequence change replaces histidine, which is basic and polar, with arginine, which is basic and polar, at codon 77 of the HADHB protein (p.His77Arg). This variant is present in population databases (rs760290863, gnomAD 0.006%). This variant has not been reported in the literature in individuals affected with HADHB-related conditions. ClinVar contains an entry for this variant (Variation ID: 1013683). Algorithms developed to predict the effect of missense changes on protein structure and function are either unavailable or do not agree on the potential impact of this missense change (SIFT: "Tolerated"; PolyPhen-2: "Probably Damaging"; Align-GVGD: "Class C0"). Algorithms developed to predict the effect of sequence changes on RNA splicing suggest that this variant may create or strengthen a splice site. In summary, the available evidence is currently insufficient to determine the role of this variant in disease. Therefore, it has been classified as a Variant of Uncertain Significance.

NM_000183.3(HADHB):c.230A>G (p.His77Arg)

Gene: HADHB (hydroxyacyl-CoA dehydrogenase trifunctional multienzyme complex subunit beta; plus strand). Cytogenetic location: 2p23.3.
Variant type: single nucleotide variant.
Coding change: c.230A>G on transcript NM_000183.3 (MANE Select); coding-DNA position 230, A replaced by G.
Protein change: p.His77Arg; replaces histidine 77 with arginine.
Molecular consequence: missense variant. On other transcripts: intron variant (1).
Genome position (GRCh38, 1-based): chr2:26,269,973, A>G. VCF-style: chr2-26269973-A-G. GRCh37 (hg19) VCF-style: chr2-26492841-A-G.
Other names: c.164A>G, p.His55Arg (NM_001281513.2); c.210-3678A>G (NM_001281512.2); short protein forms H55R, H77R.
Identifiers: ClinVar variation 1013683 (VCV001013683.12), dbSNP rs760290863, ClinGen allele CA1560140.